The following is an entry in ClinVar:

NM_025114.4(CEP290):c.4960C>T (p.Gln1654Ter)

Gene: CEP290 (centrosomal protein 290; minus strand). Cytogenetic location: 12q21.32.
Variant type: single nucleotide variant.
Coding change: c.4960C>T on transcript NM_025114.4 (MANE Select); coding-DNA position 4960, C replaced by T.
Protein change: p.Gln1654Ter; replaces glutamine 1654 with a stop codon.
Molecular consequence: nonsense.
Genome position (GRCh38, 1-based): chr12:88,083,083, G>A on the plus strand (C>T on the coding strand, the complement: CEP290 is on the minus strand). VCF-style: chr12-88083083-G-A. GRCh37 (hg19) VCF-style: chr12-88476860-G-A.
Other names: short protein forms Q1654*.
Identifiers: ClinVar variation 560436 (VCV000560436.5), dbSNP rs1226324483, ClinGen allele CA385992764.

ClinVar aggregate classification (germline): Pathogenic. Review status: criteria provided, single submitter (1 of 4 stars). 4 submissions from 3 submitters: Pathogenic (1). 3 of the submissions do not count toward it. Last evaluated 2026-05-29.

Conditions:
CEP290-related ciliopathy. Also called: CEP290 ciliopathy. Identifiers: MedGen CN305601, MONDO:0100451.
Leber congenital amaurosis 10 (LCA10). Identifiers: Orphanet 65, MedGen C1857821, MONDO:0012723, OMIM 611755.

Allele frequency attached by ClinVar (database versions not stated): TOPMed below 0.00001.

Submissions (4):

Myriad Genetics, Inc.
Classification: Pathogenic for CEP290-related ciliopathy. Last evaluated: 2026-05-29. Review status: criteria provided, single submitter. Criteria: Myriad Autosomal Dominant, Autosomal Recessive and X-Linked Classification Criteria (2023). Collection method: clinical testing. Allele origin: unknown.
Comment: NM_025114.3(CEP290):c.4960C>T(Q1654*) is expected to be pathogenic in the context of CEP290-related disorders. This variant is predicted to lead to an abnormal or absent protein product due to the creation of a premature termination codon in CEP290, a gene where loss-of-function variants are known to be pathogenic. Please note: this variant was assessed in the context of healthy population screening.

Joint Genome Diagnostic Labs from Nijmegen and Maastricht, Radboudumc and MUMC+
Classification: Pathogenic for Leber congenital amaurosis 10. Last evaluated: 2016-09-01. Review status: no assertion criteria provided. Collection method: clinical testing. Allele origin: unknown. Affected: yes. Observed: 2 variant alleles. Not counted in ClinVar's aggregate classification.

Genome Diagnostics Laboratory, University Medical Center Utrecht
Classification: Pathogenic. Review status: no assertion criteria provided. Collection method: clinical testing. Allele origin: germline. Affected: yes. Study: VKGL Data-share Consensus. Not counted in ClinVar's aggregate classification.

Joint Genome Diagnostic Labs from Nijmegen and Maastricht, Radboudumc and MUMC+
Classification: Pathogenic. Review status: no assertion criteria provided. Collection method: clinical testing. Allele origin: germline. Affected: yes. Study: VKGL Data-share Consensus. Not counted in ClinVar's aggregate classification.